The following is an entry in ClinVar:

ClinVar aggregate classification (germline): Uncertain significance (1 of 4 stars; one submission).

Submission:

Ambry Genetics
Classification: Uncertain significance. Last evaluated: 2025-10-16. Review status: criteria provided, single submitter. Criteria: Ambry Variant Classification Scheme 2023. Collection method: clinical testing. Allele origin: germline.
Comment: The p.L84F variant (also known as c.252G>C), located in coding exon 1 of the MLH3 gene, results from a G to C substitution at nucleotide position 252. The leucine at codon 84 is replaced by phenylalanine, an amino acid with highly similar properties. This amino acid position is conserved. In addition, the in silico prediction for this alteration is inconclusive. Based on the available evidence, the clinical significance of this variant remains unclear.

NM_001040108.2(MLH3):c.252G>C (p.Leu84Phe)

Gene: MLH3 (mutL homolog 3; minus strand). Cytogenetic location: 14q24.3.
Variant type: single nucleotide variant.
Coding change: c.252G>C on transcript NM_001040108.2 (MANE Select); coding-DNA position 252, G replaced by C.
Protein change: p.Leu84Phe; replaces leucine 84 with phenylalanine.
Molecular consequence: missense variant.
Genome position (GRCh38, 1-based): chr14:75,049,404, C>G on the plus strand (G>C on the coding strand, the complement: MLH3 is on the minus strand). VCF-style: chr14-75049404-C-G. GRCh37 (hg19) VCF-style: chr14-75516107-C-G.
Other names: c.252G>C, p.Leu84Phe (NM_014381.3); short protein forms L84F.
Identifiers: ClinVar variation 4552095 (VCV004552095.1).